The following is an entry in ClinVar:

ClinVar aggregate classification (germline): Uncertain significance (1 of 4 stars; one submission).

Submission:

Labcorp Genetics (formerly Invitae), Labcorp
Classification: Uncertain significance. Last evaluated: 2024-10-30. Review status: criteria provided, single submitter. Criteria: Invitae Variant Classification Sherloc (09022015). Collection method: clinical testing. Allele origin: germline.
Comment: This sequence change replaces glutamine, which is neutral and polar, with leucine, which is neutral and non-polar, at codon 129 of the ITGB3 protein (p.Gln129Leu). This variant is present in population databases (rs768225207, gnomAD 0.002%). This variant has not been reported in the literature in individuals affected with ITGB3-related conditions. Invitae Evidence Modeling of protein sequence and biophysical properties (such as structural, functional, and spatial information, amino acid conservation, physicochemical variation, residue mobility, and thermodynamic stability) indicates that this missense variant is not expected to disrupt ITGB3 protein function with a negative predictive value of 80%. In summary, the available evidence is currently insufficient to determine the role of this variant in disease. Therefore, it has been classified as a Variant of Uncertain Significance.

NM_000212.3(ITGB3):c.386A>T (p.Gln129Leu)

Gene: ITGB3 (integrin subunit beta 3; plus strand). Cytogenetic location: 17q21.32.
Variant type: single nucleotide variant.
Coding change: c.386A>T on transcript NM_000212.3 (MANE Select); coding-DNA position 386, A replaced by T.
Protein change: p.Gln129Leu; replaces glutamine 129 with leucine.
Molecular consequence: missense variant.
Genome position (GRCh38, 1-based): chr17:47,284,467, A>T. VCF-style: chr17-47284467-A-T. GRCh37 (hg19) VCF-style: chr17-45361833-A-T.
Other names: short protein forms Q129L.
Identifiers: ClinVar variation 3626224 (VCV003626224.2).